The following is an entry in ClinVar:

ClinVar aggregate classification (germline): Uncertain significance. Review status: criteria provided, multiple submitters, no conflicts (2 of 4 stars). 3 submissions from 3 submitters: Uncertain significance (3). Last evaluated 2024-05-16.

Conditions:
Hereditary cancer-predisposing syndrome. Also called: Tumor predisposition; Hereditary neoplastic syndrome; Neoplastic Syndromes, Hereditary; Hereditary Cancer Syndrome. Identifiers: Orphanet 140162, MedGen C0027672, MeSH D009386, MONDO:0015356.
Ataxia-telangiectasia syndrome (AT). Also called: Ataxia-telangiectasia, complementation group D; AT, COMPLEMENTATION GROUP C; ATAXIA-TELANGIECTASIA, COMPLEMENTATION GROUP A; ATAXIA-TELANGIECTASIA, FRESNO VARIANT; Ataxia-telangiectasia; LOUIS-BAR SYNDROME. Identifiers: Orphanet 100, MedGen C0004135, MONDO:0008840, OMIM 208900.

Submissions (3):

Ambry Genetics
Classification: Uncertain significance for Hereditary cancer-predisposing syndrome. Last evaluated: 2024-05-16. Review status: criteria provided, single submitter. Criteria: Ambry Variant Classification Scheme 2023. Collection method: clinical testing. Allele origin: germline.
Comment: The p.P2665L variant (also known as c.7994C>T), located in coding exon 53 of the ATM gene, results from a C to T substitution at nucleotide position 7994. The proline at codon 2665 is replaced by leucine, an amino acid with similar properties. This amino acid position is conserved. In addition, this alteration is predicted to be deleterious by in silico analysis. Based on the available evidence, the clinical significance of this variant remains unclear.

Color Diagnostics, LLC DBA Color Health
Classification: Uncertain significance for Hereditary cancer-predisposing syndrome. Last evaluated: 2024-03-06. Review status: criteria provided, single submitter. Criteria: ACMG Guidelines, 2015. Collection method: clinical testing. Allele origin: germline.
Comment: This missense variant replaces proline with leucine at codon 2665 of the ATM protein. Computational prediction suggests that this variant may have deleterious impact on protein structure and function (internally defined REVEL score threshold >= 0.7, PMID: 27666373). Splice site prediction tools suggest that this variant may not impact RNA splicing. To our knowledge, functional studies have not been performed for this variant. This variant has not been reported in individuals affected with hereditary cancer in the literature. This variant has not been identified in the general population by the Genome Aggregation Database (gnomAD). The available evidence is insufficient to determine the role of this variant in disease conclusively. Therefore, this variant is classified as a Variant of Uncertain Significance.

Labcorp Genetics (formerly Invitae), Labcorp
Classification: Uncertain significance for Ataxia-telangiectasia syndrome. Last evaluated: 2021-08-24. Review status: criteria provided, single submitter. Criteria: Invitae Variant Classification Sherloc (09022015). Collection method: clinical testing. Allele origin: germline.
Comment: This sequence change replaces proline with leucine at codon 2665 of the ATM protein (p.Pro2665Leu). The proline residue is highly conserved and there is a moderate physicochemical difference between proline and leucine. This variant is not present in population databases (ExAC no frequency). This variant has not been reported in the literature in individuals affected with ATM-related conditions. Algorithms developed to predict the effect of missense changes on protein structure and function (SIFT, PolyPhen-2, Align-GVGD) all suggest that this variant is likely to be disruptive. In summary, the available evidence is currently insufficient to determine the role of this variant in disease. Therefore, it has been classified as a Variant of Uncertain Significance.

NM_000051.4(ATM):c.7994C>T (p.Pro2665Leu)

Genes: ATM (ATM serine/threonine kinase; plus strand), C11orf65 (chromosome 11 open reading frame 65; minus strand). Cytogenetic location: 11q22.3.
Variant type: single nucleotide variant.
Coding change: c.7994C>T on transcript NM_000051.4 (MANE Select); coding-DNA position 7994, C replaced by T.
Protein change: p.Pro2665Leu; replaces proline 2665 with leucine.
Molecular consequence: missense variant. On other transcripts: intron variant (2).
Genome position (GRCh38, 1-based): chr11:108,333,952, C>T. VCF-style: chr11-108333952-C-T. GRCh37 (hg19) VCF-style: chr11-108204679-C-T.
Other names: c.7994C>T, p.Pro2665Leu (NM_001351834.2); c.641-24881G>A (NM_001330368.2); c.*38+1268G>A (NM_001351110.2); short protein forms P2665L.
Identifiers: ClinVar variation 656127 (VCV000656127.11), dbSNP rs1591184690, ClinGen allele CA382561787.